The following is an entry in ClinVar:

ClinVar aggregate classification (germline): Conflicting classifications of pathogenicity. Review status: criteria provided, conflicting classifications (1 of 4 stars). 3 submissions from 3 submitters: Uncertain significance (1); Likely benign (2). Last evaluated 2026-01-05.

Conditions:
PLEC-related disorder. Also called: PLEC-related condition; PLEC-related disorders.
Autosomal recessive limb-girdle muscular dystrophy type 2Q (LGMDR17). Also called: MUSCULAR DYSTROPHY, LIMB-GIRDLE, AUTOSOMAL RECESSIVE 17. Identifiers: Orphanet 254361, MedGen C3150989, MONDO:0013390, OMIM 613723.
Epidermolysis bullosa simplex 5B, with muscular dystrophy (EBS5B). Also called: EPIDERMOLYSIS BULLOSA SIMPLEX AND LIMB-GIRDLE MUSCULAR DYSTROPHY; Epidermolysis bullosa simplex with muscular dystrophy. Identifiers: Orphanet 257, MedGen C2931072, MONDO:0009181, OMIM 226670.
Epidermolysis bullosa simplex, Ogna type (EBS5A). Also called: Pidermolysis bullosa simplex 5A, Ogna type; EPIDERMOLYSIS BULLOSA SIMPLEX 5A, OGNA TYPE. Identifiers: Orphanet 79401, MedGen C0432317, MONDO:0007555, OMIM 131950.
Epidermolysis bullosa simplex with nail dystrophy (EBS5D). Identifiers: MedGen C4225309, MONDO:0014661, OMIM 616487.
Epidermolysis bullosa simplex 5C, with pyloric atresia (EBS5C). Also called: PLEC-Related Epidermolysis Bullosa with Pyloric Atresia; Epidermolysis bullosa simplex with pyloric atresia; PLEC1-Related Epidermolysis Bullosa with Pyloric Atresia. Identifiers: Orphanet 158684, MedGen C2677349, MONDO:0012807, OMIM 612138.

Allele frequency attached by ClinVar (database versions not stated): ESP Exome Variant Server 0.00008; TOPMed 0.00016; 1000 Genomes Project 0.00060; 1000 Genomes Project 30x 0.00062.
gnomAD v4.1: 49 of 1,599,072 alleles (0.0031%); highest among the groups gnomAD compares: African/African-American, 0.046%; no homozygotes.

Submissions (3):

Labcorp Genetics (formerly Invitae), Labcorp
Classification: Uncertain significance for Autosomal recessive limb-girdle muscular dystrophy type 2Q; Epidermolysis bullosa simplex, Ogna type; Epidermolysis bullosa simplex with nail dystrophy; Epidermolysis bullosa simplex 5C, with pyloric atresia; Epidermolysis bullosa simplex 5B, with muscular dystrophy. Last evaluated: 2026-01-05. Review status: criteria provided, single submitter. Criteria: Invitae Variant Classification Sherloc (09022015). Collection method: clinical testing. Allele origin: germline.
Comment: This sequence change falls in intron 4 of the PLEC gene. It does not directly change the encoded amino acid sequence of the PLEC protein. It affects a nucleotide within the consensus splice site. This variant is present in population databases (rs369467661, gnomAD 0.06%). This variant has not been reported in the literature in individuals affected with PLEC-related conditions. ClinVar contains an entry for this variant (Variation ID: 506895). Variants that disrupt the consensus splice site are a relatively common cause of aberrant splicing (PMID: 17576681, 9536098). Algorithms developed to predict the effect of sequence changes on RNA splicing suggest that this variant is not likely to affect RNA splicing. In summary, the available evidence is currently insufficient to determine the role of this variant in disease. Therefore, it has been classified as a Variant of Uncertain Significance.

PreventionGenetics, part of Exact Sciences
Classification: Likely benign for PLEC-related condition. Last evaluated: 2025-05-07. Review status: criteria provided, single submitter. Criteria: ACMG Guidelines, 2015. Collection method: clinical testing. Allele origin: germline.
Comment: This variant is classified as likely benign based on ACMG/AMP sequence variant interpretation guidelines (Richards et al. 2015 PMID: 25741868, with internal and published modifications).

GeneDx
Classification: Likely benign. Last evaluated: 2017-01-20. Review status: criteria provided, single submitter. Criteria: GeneDx Variant Classification (06012015). Collection method: clinical testing. Allele origin: germline. Affected: yes.
Comment: This variant is considered likely benign or benign based on one or more of the following criteria: it is a conservative change, it occurs at a poorly conserved position in the protein, it is predicted to be benign by multiple in silico algorithms, and/or has population frequency not consistent with disease.

Literature cited by the submitters: PubMed 17576681 (cited by Labcorp Genetics (formerly Invitae), Labcorp); PubMed 9536098 (cited by Labcorp Genetics (formerly Invitae), Labcorp).

NM_201384.3(PLEC):c.264+4C>T

Gene: PLEC (plectin; minus strand). Cytogenetic location: 8q24.3.
Variant type: single nucleotide variant.
Coding change: c.264+4C>T on transcript NM_201384.3 (MANE Select); 4 bases into the intron after coding-DNA position 264, C replaced by T.
Molecular consequence: intron variant.
Genome position (GRCh38, 1-based): chr8:143,938,147, G>A on the plus strand (C>T on the coding strand, the complement: PLEC is on the minus strand). VCF-style: chr8-143938147-G-A. GRCh37 (hg19) VCF-style: chr8-145012315-G-A.
Other names: c.345+4C>T (NM_000445.5); c.222+4C>T (NM_201378.4); c.198+4C>T (NM_201379.3); c.675+4C>T (NM_201380.4); c.168+4C>T (NM_201381.3); c.264+4C>T (NM_201382.4); c.276+4C>T (NM_201383.3).
Identifiers: ClinVar variation 506895 (VCV000506895.8), dbSNP rs369467661, ClinGen allele CA4928556.